The following is an entry in ClinVar:

ClinVar aggregate classification (germline): Uncertain significance. Review status: criteria provided, multiple submitters, no conflicts (2 of 4 stars). 2 submissions from 2 submitters: Uncertain significance (2). Last evaluated 2021-01-28.

Conditions:
Autosomal dominant nonsyndromic hearing loss 15 (DFNA15). Also called: DEAFNESS, AUTOSOMAL DOMINANT 52; Autosomal dominant nonsyndromic hearing loss 52. Identifiers: Orphanet 90635, MedGen C1865366, MONDO:0011226, OMIM 602459.

Allele frequency attached by ClinVar (database versions not stated): gnomAD exomes below 0.00001 and 0.00002.

Submissions (2):

Labcorp Genetics (formerly Invitae), Labcorp
Classification: Uncertain significance. Last evaluated: 2021-01-28. Review status: criteria provided, single submitter. Criteria: Invitae Variant Classification Sherloc (09022015). Collection method: clinical testing. Allele origin: germline.
Comment: Algorithms developed to predict the effect of missense changes on protein structure and function (SIFT, PolyPhen-2, Align-GVGD) all suggest that this variant is likely to be disruptive, but these predictions have not been confirmed by published functional studies and their clinical significance is uncertain. In summary, the available evidence is currently insufficient to determine the role of this variant in disease. Therefore, it has been classified as a Variant of Uncertain Significance. This variant is not present in population databases (ExAC no frequency). This sequence change replaces glutamine with lysine at codon 249 of the POU4F3 protein (p.Gln249Lys). The glutamine residue is highly conserved and there is a small physicochemical difference between glutamine and lysine. This variant has not been reported in the literature in individuals with POU4F3-related conditions.

Victorian Clinical Genetics Services, Murdoch Childrens Research Institute
Classification: Uncertain significance for Autosomal dominant nonsyndromic hearing loss 15. Last evaluated: 2020-10-19. Review status: criteria provided, single submitter. Criteria: ACMG Guidelines, 2015. Collection method: clinical testing. Allele origin: germline. Inheritance: Autosomal dominant inheritance. Affected: yes.
Comment: Based on the classification scheme VCGS_Germline_v1.1.1, this variant is classified as 3C-VUS. Following criteria are met: 0102 - Loss-of-function is a known mechanism of disease for this gene. (N) 0107 - This gene is known to be associated with autosomal dominant deafness (OMIM). (N) 0200 - Variant is predicted to result in a missense amino acid change from glutamine to lycine. This variant is in exon 2 of 2 of the POU4F3 gene. (N) 0251 - Variant is heterozygous. (N) 0302 - Variant is present in gnomAD v2 <0.001 for a dominant condition (2 Heterozygotes, 0 Homozygotes). (P) 0502 - Missense variant with conflicting in silico predictions and uninformative conservation. (N) 0600 - Variant is located in an annotated domain or motif. This variant is in the POU-specific domain (NCBI conserved domain). (N) 0705 - No comparable variants have previous evidence for pathogenicity. (N) 0807 - Variant has not previously been reported in a clinical context. (N) 0905 - No segregation evidence has been identified for this variant in the literature. (N) 1007 - No published functional evidence has been identified for this variant in the literature. (N) 1208 - Inheritance information for this variant is not currently available. (N) Legend: (P) - Pathogenic, (N) - Neutral, (B) - Benign

NM_002700.3(POU4F3):c.745C>A (p.Gln249Lys)

Genes: POU4F3 (POU class 4 homeobox 3; plus strand), RBM27-POU4F3 (RBM27-POU4F3 readthrough; plus strand). Cytogenetic location: 5q32.
Variant type: single nucleotide variant.
Coding change: c.745C>A on transcript NM_002700.3 (MANE Select); coding-DNA position 745, C replaced by A.
Protein change: p.Gln249Lys; replaces glutamine 249 with lysine.
Molecular consequence: missense variant.
Genome position (GRCh38, 1-based): chr5:146,340,172, C>A. VCF-style: chr5-146340172-C-A. GRCh37 (hg19) VCF-style: chr5-145719735-C-A.
Other names: short protein forms Q249K.
Identifiers: ClinVar variation 1523782 (VCV001523782.9), dbSNP rs1465371108, ClinGen allele CA361622128.